The following is an entry in ClinVar:

ClinVar aggregate classification (germline): Benign/Likely benign. Review status: criteria provided, multiple submitters, no conflicts (2 of 4 stars). 5 submissions from 5 submitters: Benign (1); Likely benign (4). Last evaluated 2024-06-04.

Conditions:
Familial adenomatous polyposis 1 (FAP1). Also called: POLYPOSIS, ADENOMATOUS INTESTINAL; FAMILIAL ADENOMATOUS POLYPOSIS 1, ATTENUATED. Identifiers: MedGen C2713442, MONDO:0021056, OMIM 175100. Disease mechanism: loss of function.
Hereditary cancer-predisposing syndrome. Also called: Tumor predisposition; Hereditary Cancer Syndrome; Neoplastic Syndromes, Hereditary; Hereditary neoplastic syndrome. Identifiers: Orphanet 140162, MedGen C0027672, MeSH D009386, MONDO:0015356.

Allele frequency attached by ClinVar (database versions not stated): gnomAD exomes 0.00001.
gnomAD v4.1: 4 of 1,614,062 alleles (0.00025%); highest among the groups gnomAD compares: Middle Eastern, 0.033%; no homozygotes.

Submissions (5):

Labcorp Genetics (formerly Invitae), Labcorp
Classification: Likely benign for Familial adenomatous polyposis 1. Last evaluated: 2024-06-04. Review status: criteria provided, single submitter. Criteria: Invitae Variant Classification Sherloc (09022015). Collection method: clinical testing. Allele origin: germline.

Myriad Genetics, Inc.
Classification: Benign for Familial adenomatous polyposis 1. Last evaluated: 2024-04-09. Review status: criteria provided, single submitter. Criteria: Myriad Autosomal Dominant, Autosomal Recessive and X-Linked Classification Criteria (2023). Collection method: clinical testing. Allele origin: unknown.
Comment: This variant is considered benign. This variant is a silent/synonymous amino acid change and it is not expected to impact splicing.

Blueprint Genetics
Classification: Likely benign. Last evaluated: 2024-01-29. Review status: criteria provided, single submitter. Criteria: ACMG Guidelines, 2015. Collection method: clinical testing. Allele origin: germline.

Color Diagnostics, LLC DBA Color Health
Classification: Likely benign for Hereditary cancer-predisposing syndrome. Last evaluated: 2022-11-07. Review status: criteria provided, single submitter. Criteria: ACMG Guidelines, 2015. Collection method: clinical testing. Allele origin: germline.

Ambry Genetics
Classification: Likely benign for Hereditary cancer-predisposing syndrome. Last evaluated: 2017-06-27. Review status: criteria provided, single submitter. Criteria: Ambry Variant Classification Scheme 2023. Collection method: clinical testing. Allele origin: germline.

NM_000038.6(APC):c.7401A>C (p.Pro2467=)

Gene: APC (APC regulator of Wnt signaling pathway; plus strand). Cytogenetic location: 5q22.2.
Variant type: single nucleotide variant.
Coding change: c.7401A>C on transcript NM_000038.6 (MANE Select); coding-DNA position 7401, A replaced by C.
Protein change: p.Pro2467=; no amino-acid change (proline 2467 retained).
Molecular consequence: synonymous variant.
Genome position (GRCh38, 1-based): chr5:112,842,995, A>C. VCF-style: chr5-112842995-A-C. GRCh37 (hg19) VCF-style: chr5-112178692-A-C.
Other names: c.7401A>C, p.Pro2467= (NM_001127510.3, NM_001354895.2); c.7347A>C, p.Pro2449= (NM_001127511.3); c.7455A>C, p.Pro2485= (NM_001354896.2); c.7431A>C, p.Pro2477= (NM_001354897.2); c.7326A>C, p.Pro2442= (NM_001354898.2); c.7317A>C, p.Pro2439= (NM_001354899.2); c.7278A>C, p.Pro2426= (NM_001354900.2); c.7224A>C, p.Pro2408= (NM_001354901.2); and 5 more.
Identifiers: ClinVar variation 482491 (VCV000482491.18), dbSNP rs1290380033, ClinGen allele CA446210567.